The following is an entry in ClinVar:

ClinVar aggregate classification (germline): Likely benign. Review status: criteria provided, multiple submitters, no conflicts (2 of 4 stars). 3 submissions from 3 submitters: Likely benign (2). 1 of the submissions does not count toward it. Last evaluated 2026-01-28.

Conditions:
Pyruvate carboxylase deficiency. Also called: LEIGH NECROTIZING ENCEPHALOPATHY DUE TO PYRUVATE CARBOXYLASE DEFICIENCY; LEIGH SYNDROME DUE TO PYRUVATE CARBOXYLASE DEFICIENCY; PC DEFICIENCY; ATAXIA WITH LACTIC ACIDOSIS II; Pyruvate Carboxylase Deficiency Disease. Identifiers: Orphanet 3008, MedGen C0034341, MONDO:0009949, OMIM 266150.
PC-related disorder. Also called: PC-related condition.

Allele frequency attached by ClinVar (database versions not stated): gnomAD 0.00002 and 0.00003; TOPMed 0.00004; 1000 Genomes Project 30x 0.00016; 1000 Genomes Project 0.00020.
gnomAD v4.1: 106 of 1,613,602 alleles (0.0066%); highest among the groups gnomAD compares: South Asian, 0.014%; no homozygotes.

Submissions (3):

Labcorp Genetics (formerly Invitae), Labcorp
Classification: Likely benign for Pyruvate carboxylase deficiency. Last evaluated: 2026-01-28. Review status: criteria provided, single submitter. Criteria: Invitae Variant Classification Sherloc (09022015). Collection method: clinical testing. Allele origin: germline.

Blueprint Genetics
Classification: Likely benign. Last evaluated: 2022-10-21. Review status: criteria provided, single submitter. Criteria: ACMG Guidelines, 2015. Collection method: clinical testing. Allele origin: germline.

PreventionGenetics, part of Exact Sciences
Classification: Likely benign for PC-related condition. Last evaluated: 2019-03-04. Review status: no assertion criteria provided. Collection method: clinical testing. Allele origin: germline. Not counted in ClinVar's aggregate classification.
Comment: This variant is classified as likely benign based on ACMG/AMP sequence variant interpretation guidelines (Richards et al. 2015 PMID: 25741868, with internal and published modifications).

NM_001040716.2(PC):c.855G>A (p.Pro285=)

Gene: PC (pyruvate carboxylase; minus strand). Cytogenetic location: 11q13.2.
Variant type: single nucleotide variant.
Coding change: c.855G>A on transcript NM_001040716.2 (MANE Select); coding-DNA position 855, G replaced by A.
Protein change: p.Pro285=; no amino-acid change (proline 285 retained).
Molecular consequence: synonymous variant.
Genome position (GRCh38, 1-based): chr11:66,870,350, C>T on the plus strand (G>A on the coding strand, the complement: PC is on the minus strand). VCF-style: chr11-66870350-C-T. GRCh37 (hg19) VCF-style: chr11-66637821-C-T.
Other names: c.855G>A, p.Pro285= (NM_022172.3, NM_000920.4); c.855G>A (NM_001040716.1).
Identifiers: ClinVar variation 728297 (VCV000728297.13), dbSNP rs200478006, ClinGen allele CA6132087.